The following is an entry in ClinVar:

ClinVar aggregate classification (germline): Likely benign (0 of 4 stars; one submission).

Conditions:
SH2B1-related disorder. Also called: SH2B1-related condition.

Submission:

PreventionGenetics, part of Exact Sciences
Classification: Likely benign for SH2B1-related condition. Last evaluated: 2020-11-07. Review status: no assertion criteria provided. Collection method: clinical testing. Allele origin: germline.
Comment: This variant is classified as likely benign based on ACMG/AMP sequence variant interpretation guidelines (Richards et al. 2015 PMID: 25741868, with internal and published modifications).

NM_001387430.1(SH2B1):c.570C>A (p.Gly190=)

Gene: SH2B1 (SH2B adaptor protein 1; plus strand). Cytogenetic location: 16p11.2.
Variant type: single nucleotide variant.
Coding change: c.570C>A on transcript NM_001387430.1 (MANE Select); coding-DNA position 570, C replaced by A.
Protein change: p.Gly190=; no amino-acid change (glycine 190 retained).
Molecular consequence: synonymous variant. On other transcripts: intron variant (1).
Genome position (GRCh38, 1-based): chr16:28,866,664, C>A. VCF-style: chr16-28866664-C-A. GRCh37 (hg19) VCF-style: chr16-28877985-C-A.
Other names: c.570C>A, p.Gly190= (NM_001145795.2, NM_001145796.2, NM_001145797.2 and 4 more transcripts); c.-26-710C>A (NM_001308294.2).
Identifiers: ClinVar variation 3358082 (VCV003358082.1).